The following is an entry in ClinVar:

ClinVar aggregate classification (germline): Likely benign. Review status: criteria provided, multiple submitters, no conflicts (2 of 4 stars). 6 submissions from 5 submitters: Likely benign (6). Last evaluated 2024-11-17.

Conditions:
Familial cutaneous telangiectasia and oropharyngeal predisposition cancer syndrome. Identifiers: Orphanet 313846, MedGen C3281203, MONDO:0013806, OMIM 614564.
Seckel syndrome 1 (SCKL1). Also called: MICROCEPHALIC PRIMORDIAL DWARFISM I. Identifiers: Orphanet 808, MedGen C4551474, MONDO:0008869, OMIM 210600.
Inborn genetic diseases. Identifiers: MedGen C0950123, MeSH D030342.

Allele frequency attached by ClinVar (database versions not stated): ExAC 0.00001; gnomAD 0.00002; gnomAD exomes 0.00002 and 0.00003; TOPMed 0.00003.

Submissions (6):

Labcorp Genetics (formerly Invitae), Labcorp
Classification: Likely benign. Last evaluated: 2024-11-17. Review status: criteria provided, single submitter. Criteria: Invitae Variant Classification Sherloc (09022015). Collection method: clinical testing. Allele origin: germline.

CeGaT Center for Human Genetics Tuebingen
Classification: Likely benign. Last evaluated: 2023-06-01. Review status: criteria provided, single submitter. Criteria: CeGaT Center For Human Genetics Tuebingen Variant Classification Criteria Version 2. Collection method: clinical testing. Allele origin: germline. Affected: yes. Observed: 1 variant allele.
Comment: ATR: BP4, BP7

Genome-Nilou Lab
Classification: Likely benign for Seckel syndrome 1. Last evaluated: 2023-02-08. Review status: criteria provided, single submitter. Criteria: ACMG Guidelines, 2015. Collection method: clinical testing. Allele origin: germline.

Genome-Nilou Lab
Classification: Likely benign for Familial cutaneous telangiectasia and oropharyngeal predisposition cancer syndrome. Last evaluated: 2023-02-08. Review status: criteria provided, single submitter. Criteria: ACMG Guidelines, 2015. Collection method: clinical testing. Allele origin: germline.

Ambry Genetics
Classification: Likely benign for Inborn genetic diseases. Last evaluated: 2022-03-12. Review status: criteria provided, single submitter. Criteria: Ambry Variant Classification Scheme 2023. Collection method: clinical testing. Allele origin: germline.

Blueprint Genetics
Classification: Likely benign. Last evaluated: 2020-09-09. Review status: criteria provided, single submitter. Criteria: ACMG Guidelines, 2015. Collection method: clinical testing. Allele origin: germline.

NM_001184.4(ATR):c.3198C>T (p.Ser1066=)

Gene: ATR (ATR checkpoint kinase; minus strand). Cytogenetic location: 3q23.
Variant type: single nucleotide variant.
Coding change: c.3198C>T on transcript NM_001184.4 (MANE Select); coding-DNA position 3198, C replaced by T.
Protein change: p.Ser1066=; no amino-acid change (serine 1066 retained).
Molecular consequence: synonymous variant.
Genome position (GRCh38, 1-based): chr3:142,547,884, G>A on the plus strand (C>T on the coding strand, the complement: ATR is on the minus strand). VCF-style: chr3-142547884-G-A. GRCh37 (hg19) VCF-style: chr3-142266726-G-A.
Other names: c.3006C>T, p.Ser1002= (NM_001354579.2).
Identifiers: ClinVar variation 1146003 (VCV001146003.36), dbSNP rs754127656, ClinGen allele CA2650173.